The following is an entry in ClinVar:

ClinVar aggregate classification (germline): Pathogenic (1 of 4 stars; one submission).

Conditions:
MHC class II deficiency. Also called: Bare lymphocyte syndrome 2; BLS, TYPE II. Identifiers: Orphanet 572, MedGen C5447452, MONDO:0008855.

Submission:

Labcorp Genetics (formerly Invitae), Labcorp
Classification: Pathogenic for MHC class II deficiency. Last evaluated: 2024-06-07. Review status: criteria provided, single submitter. Criteria: Invitae Variant Classification Sherloc (09022015). Collection method: clinical testing. Allele origin: germline.
Comment: This sequence change creates a premature translational stop signal (p.Ala388Glnfs*28) in the CIITA gene. It is expected to result in an absent or disrupted protein product. Loss-of-function variants in CIITA are known to be pathogenic (PMID: 8402893, 9099848, 26271388). This variant is not present in population databases (gnomAD no frequency). This variant has not been reported in the literature in individuals affected with CIITA-related conditions. For these reasons, this variant has been classified as Pathogenic.

Literature cited by the submitters: PubMed 8402893; PubMed 9099848; PubMed 26271388.

NM_000246.4(CIITA):c.1162del (p.Ala388fs)

Gene: CIITA (class II major histocompatibility complex transactivator; plus strand). Cytogenetic location: 16p13.13.
Variant type: Deletion.
Coding change: c.1162del on transcript NM_000246.4 (MANE Select); coding-DNA position 1162, one base deleted (G; older notation c.1162delG).
Protein change: p.Ala388fs; shifts the reading frame from alanine 388.
Molecular consequence: frameshift variant. On other transcripts: intron variant (1).
Genome position (GRCh38, 1-based): chr16:10,906,654, G deleted; the last of 3 consecutive G bases (chr16:10,906,652-10,906,654); deleting any one gives the same sequence. VCF-style (leftmost placement, unchanged base first): chr16-10906651-TG-T. GRCh37 (hg19) VCF-style: chr16-11000508-TG-T.
Other names: c.1165del, p.Ala389fs (NM_001286402.1, NM_001379332.1); c.1018del, p.Ala340fs (NM_001379330.1); c.1015del, p.Ala339fs (NM_001379331.1); c.1162del, p.Ala388fs (NM_001379333.1); c.1093del, p.Ala365fs (NM_001379334.1); c.859+1842del (NM_001286403.2); short protein forms A339fs, A365fs, A340fs, A388fs, A389fs.
Identifiers: ClinVar variation 3655023 (VCV003655023.2).
Genomic context (GRCh38, chr16:10,906,651, plus strand): 5'-CAGGCCAGGCTGGAGAGGAGCAGCAGCAAGAGCCTGGAGCGGGAACTGGCCACCCCGGAC[TG>T]GGCAGAACGGCAGCTGGCCCAAGGAGGCCTGGCTGAGGTGCTGTTGGCTGCCAAGGAGCA-3'